The following is an entry in ClinVar:

NM_181523.3(PIK3R1):c.1727_1729dup (p.Thr576_Arg577insThr)

Gene: PIK3R1 (phosphoinositide-3-kinase regulatory subunit 1; plus strand). Cytogenetic location: 5q13.1.
Variant type: Duplication.
Coding change: c.1727_1729dup on transcript NM_181523.3 (MANE Select); coding-DNA positions 1727 to 1729, 3 bases duplicated (CGA; older notation c.1727_1729dupCGA).
Protein change: p.Thr576_Arg577insThr.
Genome position (GRCh38, 1-based): chr5:68,295,306-68,295,308, CGA duplicated; duplicating any 3 consecutive bases within chr5:68,295,304-68,295,308 gives the same sequence; the c. name uses the placement nearest the transcript's 3' end. VCF-style (leftmost placement, unchanged base first): chr5-68295303-A-AGAC. GRCh37 (hg19) VCF-style: chr5-67591131-A-AGAC.
Other names: c.638_640dup, p.Thr213_Arg214insThr (NM_001242466.2); c.917_919dup, p.Thr306_Arg307insThr (NM_181504.4); c.827_829dup, p.Thr276_Arg277insThr (NM_181524.2).
Identifiers: ClinVar variation 4530377 (VCV004530377.1).

ClinVar aggregate classification (somatic clinical impact): Tier II - Potential (1 of 4 stars; one submission).

Conditions:
Diffuse glioma, H3 G34 mutant. Identifiers: MedGen CN377580, MONDO:0957197.

Submission:

Institute for Genomic Medicine (IGM) Clinical Laboratory, Nationwide Children's Hospital
Classification: Tier II - Potential for Diffuse glioma, H3 G34 mutant. Assertion type: diagnostic. Clinical significance: supports diagnosis. Last evaluated: 2023-05-15. Review status: criteria provided, single submitter. Criteria: AMP/ASCO/CAP Guidelines, 2017. Collection method: clinical testing. Allele origin: somatic. Affected: yes.
Comment: Variant has Tier II (potential) clinical significance as a diagnostic inclusion criterion in diffuse glioma, H3 G34 mutant, based on the following evidence: 1) Information in the literature supports potential biologic effect of variant (PMIDs: 19962665, 23166678, 29247016). 2) Assists in diagnosis alone or along with other biomarkers based on small studies or few case reports (Evidence Level D).

Literature cited by the submitters: PubMed 19962665; PubMed 23166678; PubMed 29247016.